The following is an entry in ClinVar:

NM_001267550.2(TTN):c.70039G>C (p.Asp23347His)

Genes: TTN (titin; minus strand), TTN-AS1 (TTN antisense RNA 1; plus strand), LOC126806422 (BRD4-independent group 4 enhancer GRCh37_chr2:179440205-179441404; plus strand). Cytogenetic location: 2q31.2.
Variant type: single nucleotide variant.
Coding change: c.70039G>C on transcript NM_001267550.2 (MANE Select); coding-DNA position 70039, G replaced by C.
Protein change: p.Asp23347His; replaces aspartic acid 23347 with histidine.
Molecular consequence: missense variant.
Genome position (GRCh38, 1-based): chr2:178,576,093, C>G on the plus strand (G>C on the coding strand, the complement: TTN is on the minus strand). VCF-style: chr2-178576093-C-G. GRCh37 (hg19) VCF-style: chr2-179440820-C-G.
Other names: c.65116G>C, p.Asp21706His (NM_001256850.1); c.42844G>C, p.Asp14282His (NM_003319.4); c.62335G>C, p.Asp20779His (NM_133378.4); c.43219G>C, p.Asp14407His (NM_133432.3); c.43420G>C, p.Asp14474His (NM_133437.4); short protein forms D14282H, D14407H, D14474H, D20779H, D21706H, D23347H.
Identifiers: ClinVar variation 1204714 (VCV001204714.7), dbSNP rs371752797, ClinGen allele CA1990847.
Genomic context (GRCh38, chr2:178,576,093, plus strand): 5'-GCACAAATATCCTAATACTGAGTCCTGCTCTAACAACAAGTGTTCTTCGAAGCTCGGCAT[C>G]TAGTTCAAAATCAGGAGCCATCTCCCGTTCTACGATTTCAACATCTGGAATCACCGCTGG-3'
Protein context (NP_001254479.2, residues 23337-23357): EREMAPDFEL[Asp23347His]AELRRTLVVR

ClinVar aggregate classification (germline): Conflicting classifications of pathogenicity. Review status: criteria provided, conflicting classifications (1 of 4 stars). 4 submissions from 4 submitters: Uncertain significance (2); Likely benign (2). Last evaluated 2025-07-16.

Conditions:
Cardiovascular phenotype. Identifiers: MedGen CN230736.
TTN-related disorder. Also called: TTN-related disorders; TTN-related condition; TTN-related disease.

Allele frequency attached by ClinVar (database versions not stated): gnomAD 0.00003 and 0.00004; TOPMed 0.00003; gnomAD exomes 0.00004 and 0.00006; ExAC 0.00005; ESP Exome Variant Server 0.00008.
gnomAD v4.1: 99 of 1,613,380 alleles (0.0061%); highest among the groups gnomAD compares: Non-Finnish European, 0.0081%; no homozygotes.

Submissions (4):

PreventionGenetics, part of Exact Sciences
Classification: Uncertain significance for TTN-related condition. Last evaluated: 2025-07-16. Review status: criteria provided, single submitter. Criteria: ACMG Guidelines, 2015. Collection method: clinical testing. Allele origin: germline.
Comment: The TTN c.70039G>C variant is predicted to result in the amino acid substitution p.Asp23347His. To our knowledge, this variant has not been reported in the literature. This variant is reported in 0.0070% of alleles in individuals of European (Non-Finnish) descent in gnomAD. At this time, the clinical significance of this variant is uncertain due to the absence of conclusive functional and genetic evidence.

Blueprint Genetics
Classification: Likely benign. Last evaluated: 2022-12-27. Review status: criteria provided, single submitter. Criteria: ACMG Guidelines, 2015. Collection method: clinical testing. Allele origin: germline.

GeneDx
Classification: Likely benign. Last evaluated: 2019-11-05. Review status: criteria provided, single submitter. Criteria: GeneDx Variant Classification Process June 2021. Collection method: clinical testing. Allele origin: germline. Affected: yes.

Ambry Genetics
Classification: Uncertain significance for Cardiovascular phenotype. Last evaluated: 2018-11-28. Review status: criteria provided, single submitter. Criteria: Ambry Variant Classification Scheme 2023. Collection method: clinical testing. Allele origin: germline.
Comment: The p.D14282H variant (also known as c.42844G>C), located in coding exon 153 of the TTN gene, results from a G to C substitution at nucleotide position 42844. The aspartic acid at codon 14282 is replaced by histidine, an amino acid with similar properties. This amino acid position is highly conserved in available vertebrate species. In addition, the in silico prediction for this alteration is inconclusive. Since supporting evidence is limited at this time, the clinical significance of this alteration remains unclear.